The following is an entry in ClinVar:

ClinVar aggregate classification (germline): Uncertain significance. Review status: reviewed by expert panel (3 of 4 stars). 5 submissions from 4 submitters: Uncertain significance (1). 4 of the submissions do not count toward it. Last evaluated 2026-08-20.

Conditions:
RPE65-related recessive retinopathy. Also called: Recessive RPE65 retinopathy. Identifiers: MedGen CN305526, MONDO:0100368.
Leber congenital amaurosis 2 (LCA2). Also called: Autosomal Recessive RPE65-Related Retinal Degeneration; AMAUROSIS CONGENITA OF LEBER II. Identifiers: Orphanet 65, MedGen C1859844, MONDO:0008765, OMIM 204100. Disease mechanism: loss of function.
Retinitis pigmentosa 20 (RP20). Identifiers: Orphanet 791, MedGen C3151086, MONDO:0013425, OMIM 613794.
Retinitis pigmentosa (RP). Identifiers: Orphanet 791, MedGen C0035334, MeSH D012174, MONDO:0019200, OMIM 268000. Inheritance: Autosomal dominant, autosomal recessive and X linked inheritance.

Allele frequency attached by ClinVar (database versions not stated): TOPMed 0.00006; gnomAD exomes 0.00007 and 0.00010; ExAC 0.00009; gnomAD 0.00010; ESP Exome Variant Server 0.00015; 1000 Genomes Project 30x 0.00016; 1000 Genomes Project 0.00020.
gnomAD v4.1: 160 of 1,613,904 alleles (0.0099%); highest among the groups gnomAD compares: Non-Finnish European, 0.013%; no homozygotes.

Submissions (5):

ClinGen Leber Congenital Amaurosis/early Onset Retinal Dystrophy Variant Curation Expert Panel, ClinGen
Classification: Uncertain significance for RPE65-related recessive retinopathy. Last evaluated: 2026-08-20. Review status: reviewed by expert panel. Criteria: ClinGen LCAeoRD ACMG Specifications RPE65 V1.0.0. Collection method: curation. Allele origin: germline. Inheritance: Autosomal recessive inheritance.
Comment: NM_000329.3(RPE65):c.859-11C>T is a non-coding variant located in intron 8. This variant is present in gnomAD v.4.1.1 at a GrpMax allele frequency of 0.0001096, with 149 alleles / 1179990 total alleles in the European non-Finnish population, which is lower than the ClinGen LCA / eoRD VCEP PM2_Supporting threshold of <0.0002 (PM2_Supporting). The splicing impact predictor SpliceAI gives a delta score of 0.00, which is below the ClinGen LCA / eoRD VCEP recommended threshold of <0.1 and does not predict an impact on splicing (BP4). In summary, this variant meets the criteria to be classified as a variant of uncertain significance for RPE65-related recessive retinopathy based on the ACMG/AMP criteria applied, as specified by the ClinGen LCA / eoRD VCEP: PM2_Supporting and BP4. (VCEP specifications version 1.0.0).

Labcorp Genetics (formerly Invitae), Labcorp
Classification: Likely benign for Leber congenital amaurosis 2; Retinitis pigmentosa 20. Last evaluated: 2026-02-03. Review status: criteria provided, single submitter. Criteria: Invitae Variant Classification Sherloc (09022015). Collection method: clinical testing. Allele origin: germline. Not counted in ClinVar's aggregate classification.

Blueprint Genetics
Classification: Likely benign. Last evaluated: 2024-05-23. Review status: criteria provided, single submitter. Criteria: ACMG Guidelines, 2015. Collection method: clinical testing. Allele origin: germline. Not counted in ClinVar's aggregate classification.

Illumina Laboratory Services, Illumina
Classification: Uncertain significance for Leber congenital amaurosis 2. Last evaluated: 2018-01-13. Review status: criteria provided, single submitter. Criteria: ICSL Variant Classification Criteria 13 December 2019. Collection method: clinical testing. Allele origin: germline. Not counted in ClinVar's aggregate classification.

Illumina Laboratory Services, Illumina
Classification: Uncertain significance for Retinitis pigmentosa. Last evaluated: 2018-01-13. Review status: criteria provided, single submitter. Criteria: ICSL Variant Classification Criteria 13 December 2019. Collection method: clinical testing. Allele origin: germline. Not counted in ClinVar's aggregate classification.

NM_000329.3(RPE65):c.859-11C>T

Gene: RPE65 (retinoid isomerohydrolase RPE65; minus strand). Cytogenetic location: 1p31.3.
Variant type: single nucleotide variant.
Coding change: c.859-11C>T on transcript NM_000329.3 (MANE Select); 11 bases into the intron before coding-DNA position 859, C replaced by T.
Molecular consequence: intron variant.
Genome position (GRCh38, 1-based): chr1:68,439,092, G>A on the plus strand (C>T on the coding strand, the complement: RPE65 is on the minus strand). VCF-style: chr1-68439092-G-A. GRCh37 (hg19) VCF-style: chr1-68904775-G-A.
Identifiers: ClinVar variation 874235 (VCV000874235.14), dbSNP rs369772824, ClinGen allele CA902362.
Genomic context (GRCh38, chr1:68,439,092, plus strand): 5'-TTATTATTGAGGTACTTTTTCCTTTTTTTGTCAGCAATATGAAGCCAAACCTTGAAAAAT[G>A]AGGAAAATATTTTGATGCATTTAAAAAGGAAAAAAGTGTACATTATTAAACACATCTTCT-3'